The following is an entry in ClinVar:

ClinVar aggregate classification (germline): Uncertain significance (1 of 4 stars; one submission).

Conditions:
Joubert syndrome 21 (JBTS21). Identifiers: MedGen C3810212, MONDO:0014288, OMIM 615636.

gnomAD v4.1: 14 of 1,613,900 alleles (0.00087%); highest among the groups gnomAD compares: East Asian, 0.0067%; no homozygotes.

Submission:

Labcorp Genetics (formerly Invitae), Labcorp
Classification: Uncertain significance for Joubert syndrome 21. Last evaluated: 2021-08-28. Review status: criteria provided, single submitter. Criteria: Invitae Variant Classification Sherloc (09022015). Collection method: clinical testing. Allele origin: germline.
Comment: This sequence change replaces alanine with proline at codon 262 of the CSPP1 protein (p.Ala262Pro). The alanine residue is weakly conserved and there is a small physicochemical difference between alanine and proline. This variant is present in population databases (rs771943937, ExAC 0.02%). This variant has not been reported in the literature in individuals affected with CSPP1-related conditions. Algorithms developed to predict the effect of missense changes on protein structure and function are either unavailable or do not agree on the potential impact of this missense change (SIFT: "Deleterious"; PolyPhen-2: "Benign"; Align-GVGD: "Class C0"). In summary, the available evidence is currently insufficient to determine the role of this variant in disease. Therefore, it has been classified as a Variant of Uncertain Significance.

NM_001382391.1(CSPP1):c.757G>C (p.Ala253Pro)

Gene: CSPP1 (centrosome and spindle pole associated protein 1; plus strand). Cytogenetic location: 8q13.1.
Variant type: single nucleotide variant.
Coding change: c.757G>C on transcript NM_001382391.1 (MANE Select); coding-DNA position 757, G replaced by C.
Protein change: p.Ala253Pro; replaces alanine 253 with proline.
Molecular consequence: missense variant. On other transcripts: 5 prime UTR variant (1).
Genome position (GRCh38, 1-based): chr8:67,095,566, G>C. VCF-style: chr8-67095566-G-C. GRCh37 (hg19) VCF-style: chr8-68007801-G-C.
Other names: c.-99G>C (NM_001291339.2); c.676G>C, p.Ala226Pro (NM_001363131.2, NM_001363133.2); c.757G>C, p.Ala253Pro (NM_001363132.2); c.865G>C, p.Ala289Pro (NM_001364869.1); c.784G>C, p.Ala262Pro (NM_001364870.1, NM_024790.7); short protein forms A226P, A253P, A262P, A289P.
Identifiers: ClinVar variation 943084 (VCV000943084.7), dbSNP rs771943937, ClinGen allele CA4770352.